The following is an entry in ClinVar:

ClinVar aggregate classification (germline): Uncertain significance. Review status: criteria provided, multiple submitters, no conflicts (2 of 4 stars). 2 submissions from 2 submitters: Uncertain significance (2). Last evaluated 2025-11-21.

Conditions:
Inborn genetic diseases. Identifiers: MedGen C0950123, MeSH D030342.

Allele frequency attached by ClinVar (database versions not stated): TOPMed 0.00002; ExAC 0.00008; 1000 Genomes Project 0.00080; 1000 Genomes Project 30x 0.00094.
gnomAD v4.1: 40 of 1,614,110 alleles (0.0025%); highest among the groups gnomAD compares: East Asian, 0.031%; no homozygotes.

Submissions (2):

Labcorp Genetics (formerly Invitae), Labcorp
Classification: Uncertain significance. Last evaluated: 2025-11-21. Review status: criteria provided, single submitter. Criteria: Invitae Variant Classification Sherloc (09022015). Collection method: clinical testing. Allele origin: germline.
Comment: This sequence change replaces asparagine, which is neutral and polar, with serine, which is neutral and polar, at codon 129 of the PLVAP protein (p.Asn129Ser). This variant is present in population databases (rs201733879, gnomAD 0.07%). This variant has not been reported in the literature in individuals affected with PLVAP-related conditions. ClinVar contains an entry for this variant (Variation ID: 2201682). Invitae Evidence Modeling of protein sequence and biophysical properties (such as structural, functional, and spatial information, amino acid conservation, physicochemical variation, residue mobility, and thermodynamic stability) indicates that this missense variant is not expected to disrupt PLVAP protein function with a negative predictive value of 80%. In summary, the available evidence is currently insufficient to determine the role of this variant in disease. Therefore, it has been classified as a Variant of Uncertain Significance.

Ambry Genetics
Classification: Uncertain significance for Inborn genetic diseases. Last evaluated: 2025-10-02. Review status: criteria provided, single submitter. Criteria: Ambry Variant Classification Scheme 2023. Collection method: clinical testing. Allele origin: germline.

NM_031310.3(PLVAP):c.386A>G (p.Asn129Ser)

Gene: PLVAP (plasmalemma vesicle associated protein; minus strand). Cytogenetic location: 19p13.11.
Variant type: single nucleotide variant.
Coding change: c.386A>G on transcript NM_031310.3 (MANE Select); coding-DNA position 386, A replaced by G.
Protein change: p.Asn129Ser; replaces asparagine 129 with serine.
Molecular consequence: missense variant.
Genome position (GRCh38, 1-based): chr19:17,366,179, T>C on the plus strand (A>G on the coding strand, the complement: PLVAP is on the minus strand). VCF-style: chr19-17366179-T-C. GRCh37 (hg19) VCF-style: chr19-17476988-T-C.
Other names: c.386A>G (NM_031310.1); short protein forms N129S.
Identifiers: ClinVar variation 2201682 (VCV002201682.3), dbSNP rs201733879, ClinGen allele CA9294061.